The following is an entry in ClinVar:

ClinVar aggregate classification (germline): Uncertain significance (1 of 4 stars; one submission).

gnomAD v4.1: 1 of 1,614,188 alleles (0.000062%); highest among the groups gnomAD compares: Non-Finnish European, 0.000085%; no homozygotes.

Submission:

Labcorp Genetics (formerly Invitae), Labcorp
Classification: Uncertain significance. Last evaluated: 2022-08-16. Review status: criteria provided, single submitter. Criteria: Invitae Variant Classification Sherloc (09022015). Collection method: clinical testing. Allele origin: germline.
Comment: This sequence change replaces glycine, which is neutral and non-polar, with aspartic acid, which is acidic and polar, at codon 56 of the MTTP protein (p.Gly56Asp). This variant is present in population databases (rs762420748, gnomAD 0.0009%). This variant has not been reported in the literature in individuals affected with MTTP-related conditions. ClinVar contains an entry for this variant (Variation ID: 1492623). Algorithms developed to predict the effect of missense changes on protein structure and function are either unavailable or do not agree on the potential impact of this missense change (SIFT: "Tolerated"; PolyPhen-2: "Probably Damaging"; Align-GVGD: "Class C0"). In summary, the available evidence is currently insufficient to determine the role of this variant in disease. Therefore, it has been classified as a Variant of Uncertain Significance.

NM_001386140.1(MTTP):c.167G>A (p.Gly56Asp)

Gene: MTTP (microsomal triglyceride transfer protein; plus strand). Cytogenetic location: 4q23.
Variant type: single nucleotide variant.
Coding change: c.167G>A on transcript NM_001386140.1 (MANE Select); coding-DNA position 167, G replaced by A.
Protein change: p.Gly56Asp; replaces glycine 56 with aspartic acid.
Molecular consequence: missense variant. On other transcripts: 5 prime UTR variant (1).
Genome position (GRCh38, 1-based): chr4:99,582,010, G>A. VCF-style: chr4-99582010-G-A. GRCh37 (hg19) VCF-style: chr4-100503167-G-A.
Other names: c.167G>A, p.Gly56Asp (NM_000253.4); c.-83G>A (NM_001300785.2); short protein forms G56D.
Identifiers: ClinVar variation 1492623 (VCV001492623.5), dbSNP rs762420748, ClinGen allele CA3021758.